The following is an entry in ClinVar:

NM_000093.5(COL5A1):c.2088+5G>T

Gene: COL5A1 (collagen type V alpha 1 chain; plus strand). Cytogenetic location: 9q34.3.
Variant type: single nucleotide variant.
Coding change: c.2088+5G>T on transcript NM_000093.5 (MANE Select); 5 bases into the intron after coding-DNA position 2088, G replaced by T.
Molecular consequence: intron variant.
Genome position (GRCh38, 1-based): chr9:134,765,739, G>T. VCF-style: chr9-134765739-G-T. GRCh37 (hg19) VCF-style: chr9-137657585-G-T.
Other names: c.2088+5G>T (NM_001278074.1).
Identifiers: ClinVar variation 2031803 (VCV002031803.4), dbSNP rs2490660155, ClinGen allele CA2580080015.

ClinVar aggregate classification (germline): Pathogenic (1 of 4 stars; one submission).

Conditions:
Ehlers-Danlos syndrome, classic type, 1 (EDSCL1). Also called: EHLERS-DANLOS SYNDROME, GRAVIS TYPE; EHLERS-DANLOS SYNDROME, SEVERE CLASSIC TYPE; Ehlers-Danlos syndrome, type 1; EDS I; Ehlers-Danlos Syndrome, Classic Type, COL5A1-Related. Identifiers: MedGen C0268335, MONDO:0019567, OMIM 130000.

Submission:

Labcorp Genetics (formerly Invitae), Labcorp
Classification: Pathogenic for Ehlers-Danlos syndrome, classic type, 1. Last evaluated: 2024-01-05. Review status: criteria provided, single submitter. Criteria: Invitae Variant Classification Sherloc (09022015). Collection method: clinical testing. Allele origin: germline.
Comment: This sequence change falls in intron 21 of the COL5A1 gene. It does not directly change the encoded amino acid sequence of the COL5A1 protein. It affects a nucleotide within the consensus splice site. This variant is not present in population databases (gnomAD no frequency). This variant has been observed in individual(s) with Ehlers-Danlos syndrome (Invitae). In at least one individual the variant was observed to be de novo. ClinVar contains an entry for this variant (Variation ID: 2031803). Variants that disrupt the consensus splice site are a relatively common cause of aberrant splicing (PMID: 17576681, 9536098). Algorithms developed to predict the effect of sequence changes on RNA splicing suggest that this variant may disrupt the consensus splice site. For these reasons, this variant has been classified as Pathogenic.

Literature cited by the submitters: PubMed 17576681; PubMed 9536098.